The following is an entry in ClinVar:

NM_006662.3(SRCAP):c.8482C>T (p.Arg2828Cys)

Gene: SRCAP (Snf2 related CREBBP activator protein; plus strand). Cytogenetic location: 16p11.2.
Variant type: single nucleotide variant.
Coding change: c.8482C>T on transcript NM_006662.3 (MANE Select); coding-DNA position 8482, C replaced by T.
Protein change: p.Arg2828Cys; replaces arginine 2828 with cysteine.
Molecular consequence: missense variant.
Genome position (GRCh38, 1-based): chr16:30,738,522, C>T. VCF-style: chr16-30738522-C-T. GRCh37 (hg19) VCF-style: chr16-30749843-C-T.
Other names: short protein forms R2828C.
Identifiers: ClinVar variation 599467 (VCV000599467.34), dbSNP rs144623507, ClinGen allele CA8012704.
Genomic context (GRCh38, chr16:30,738,522, plus strand): 5'-CCCTGTGAAGCTGCTCCTTCATCCTCACTGCCCACTCCACCCCAGCAGCCCTTCATTGCT[C>T]GCCGTCACATTGAGCTGGGGGTGACTGGTGGTGGCAGCCCCGAGAATGGAGACGGAGCAC-3'
Protein context (NP_006653.2, residues 2818-2838): PTPPQQPFIA[Arg2828Cys]RHIELGVTGG

ClinVar aggregate classification (germline): Benign/Likely benign. Review status: criteria provided, multiple submitters, no conflicts (2 of 4 stars). 8 submissions from 8 submitters: Benign (1); Likely benign (6). 1 of the submissions does not count toward it. Last evaluated 2026-01-26.

Conditions:
Floating-Harbor syndrome (FLHS). Also called: SRCAP-Related Floating-Harbor Syndrome; Short stature with delayed bone age, expressive language delay, a triangular face with a prominent nose and deep-set eyes; Pelletier-Leisti syndrome. Identifiers: Orphanet 2044, MedGen C0729582, MONDO:0007621, OMIM 136140.
Developmental delay, hypotonia, musculoskeletal defects, and behavioral abnormalities. Identifiers: MedGen C5562012, MONDO:0859202, OMIM 619595.
SRCAP-related disorder. Also called: SRCAP-related condition.
Inborn genetic diseases. Identifiers: MedGen C0950123, MeSH D030342.

Allele frequency attached by ClinVar (database versions not stated): TOPMed 0.00061; ESP Exome Variant Server 0.00123.
gnomAD v4.1: 1,171 of 1,611,910 alleles (0.073%); highest among the groups gnomAD compares: Non-Finnish European, 0.095%; no homozygotes.

Submissions (8):

Labcorp Genetics (formerly Invitae), Labcorp
Classification: Likely benign. Last evaluated: 2026-01-26. Review status: criteria provided, single submitter. Criteria: Invitae Variant Classification Sherloc (09022015). Collection method: clinical testing. Allele origin: germline.

CeGaT Center for Human Genetics Tuebingen
Classification: Likely benign. Last evaluated: 2025-01-01. Review status: criteria provided, single submitter. Criteria: CeGaT Center For Human Genetics Tuebingen Variant Classification Criteria Version 2. Collection method: clinical testing. Allele origin: germline. Affected: yes. Observed: 1 variant allele.
Comment: SRCAP: BS1

Blueprint Genetics
Classification: Likely benign. Last evaluated: 2024-11-01. Review status: criteria provided, single submitter. Criteria: ACMG Guidelines, 2015. Collection method: clinical testing. Allele origin: germline.

Ambry Genetics
Classification: Likely benign for Inborn genetic diseases. Last evaluated: 2023-02-16. Review status: criteria provided, single submitter. Criteria: Ambry Variant Classification Scheme 2023. Collection method: clinical testing. Allele origin: germline.

Department of Pathology and Laboratory Medicine, Sinai Health System
Classification: Likely benign for Floating-Harbor syndrome; Developmental delay, hypotonia, musculoskeletal defects, and behavioral abnormalities. Last evaluated: 2020-08-12. Review status: criteria provided, single submitter. Criteria: ACMG Guidelines, 2015. Collection method: research. Allele origin: germline.

Institute for Genomic Medicine (IGM) Clinical Laboratory, Nationwide Children's Hospital
Classification: Benign. Last evaluated: 2017-10-04. Review status: criteria provided, single submitter. Criteria: ACMG Guidelines, 2015. Collection method: clinical testing. Allele origin: germline.
Comment: BS1, BS2, BP1; This alteration has an allele frequency that is greater than expected for the associated disease, was seen in a healthy adult where full penetrance of the disorder is expected at an early age, and is a missense alteration in a gene for which primarily truncating variants are known to cause disease.

Breakthrough Genomics
Classification: Likely benign. Review status: criteria provided, single submitter. Criteria: ACMG Guidelines, 2015. Collection method: not provided. Allele origin: germline. Inheritance: Autosomal dominant inheritance. Affected: yes.

PreventionGenetics, part of Exact Sciences
Classification: Likely benign for SRCAP-related condition. Last evaluated: 2022-09-28. Review status: no assertion criteria provided. Collection method: clinical testing. Allele origin: germline. Not counted in ClinVar's aggregate classification.
Comment: This variant is classified as likely benign based on ACMG/AMP sequence variant interpretation guidelines (Richards et al. 2015 PMID: 25741868, with internal and published modifications).